The following is an entry in ClinVar:

NM_000018.4(ACADVL):c.351C>G (p.Asn117Lys)

Gene: ACADVL (acyl-CoA dehydrogenase very long chain; plus strand). Cytogenetic location: 17p13.1.
Variant type: single nucleotide variant.
Coding change: c.351C>G on transcript NM_000018.4 (MANE Select); coding-DNA position 351, C replaced by G.
Protein change: p.Asn117Lys; replaces asparagine 117 with lysine.
Molecular consequence: missense variant.
Genome position (GRCh38, 1-based): chr17:7,220,932, C>G. VCF-style: chr17-7220932-C-G. GRCh37 (hg19) VCF-style: chr17-7124251-C-G.
Other names: c.285C>G, p.Asn95Lys (NM_001033859.3); c.420C>G, p.Asn140Lys (NM_001270447.2); c.123C>G, p.Asn41Lys (NM_001270448.2); short protein forms N117K, N140K, N41K, N95K.
Identifiers: ClinVar variation 1679468 (VCV001679468.7), dbSNP rs779745734, ClinGen allele CA397722718.

ClinVar aggregate classification (germline): Uncertain significance (1 of 4 stars; one submission).

Conditions:
Very long chain acyl-CoA dehydrogenase deficiency (ACADVLD). Also called: Very Long-Chain Acyl-Coenzyme A Dehydrogenase Deficiency; VLCAD Deficiency. Identifiers: Orphanet 26793, MedGen C3887523, MONDO:0008723, OMIM 201475.

Submission:

ARUP Laboratories, Molecular Genetics and Genomics, ARUP Laboratories
Classification: Uncertain significance for Very long chain acyl-CoA dehydrogenase deficiency. Last evaluated: 2022-01-14. Review status: criteria provided, single submitter. Criteria: ARUP Molecular Germline Variant Investigation Process 2021. Collection method: clinical testing. Allele origin: germline.
Comment: The ACADVL c.351C>G; p.Asn117Lys variant, to our knowledge, is not reported in the medical literature or gene specific databases. This variant is absent from the Genome Aggregation Database, indicating it is not a common polymorphism. The asparagine at codon 117 is highly conserved, but computational analyses are uncertain whether this variant is neutral or deleterious (REVEL: 0.648). However, given the lack of clinical and functional data, the significance of the p.Asn117Lys variant is uncertain at this time.